The following is an entry in ClinVar:

ClinVar aggregate classification (germline): Conflicting classifications of pathogenicity. Review status: criteria provided, conflicting classifications (1 of 4 stars). 5 submissions from 4 submitters: Uncertain significance (1); Likely benign (4). Last evaluated 2026-01-11.

Conditions:
Adams-Oliver syndrome 5 (AOS5). Identifiers: Orphanet 974, MedGen C4014970, MONDO:0014459, OMIM 616028.
Aortic valve disease 1 (AOVD1). Identifiers: MedGen C3887892, MONDO:0024523, OMIM 109730.
Familial thoracic aortic aneurysm and aortic dissection (TAAD). Also called: Thoracic aortic aneurysms and dissections. Identifiers: Orphanet 91387, MedGen C4707243, MONDO:0019625.

Allele frequency attached by ClinVar (database versions not stated): gnomAD 0.00001 and 0.00003; TOPMed 0.00002; gnomAD exomes 0.00006 and 0.00015; ExAC 0.00013; 1000 Genomes Project 30x 0.00031; 1000 Genomes Project 0.00040.
gnomAD v4.1: 95 of 1,610,308 alleles (0.0059%); highest among the groups gnomAD compares: South Asian, 0.085%; 1 homozygote.

Submissions (5):

Labcorp Genetics (formerly Invitae), Labcorp
Classification: Likely benign for Adams-Oliver syndrome 5. Last evaluated: 2026-01-11. Review status: criteria provided, single submitter. Criteria: Invitae Variant Classification Sherloc (09022015). Collection method: clinical testing. Allele origin: germline.

Ambry Genetics
Classification: Uncertain significance for Familial thoracic aortic aneurysm and aortic dissection. Last evaluated: 2024-06-18. Review status: criteria provided, single submitter. Criteria: Ambry Variant Classification Scheme 2023. Collection method: clinical testing. Allele origin: germline.

Genome-Nilou Lab
Classification: Likely benign for Adams-Oliver syndrome 5. Last evaluated: 2022-03-15. Review status: criteria provided, single submitter. Criteria: ACMG Guidelines, 2015. Collection method: clinical testing. Allele origin: germline. Affected: no.

Genome-Nilou Lab
Classification: Likely benign for Aortic valve disease 1. Last evaluated: 2022-03-15. Review status: criteria provided, single submitter. Criteria: ACMG Guidelines, 2015. Collection method: clinical testing. Allele origin: germline. Affected: no.

GeneDx
Classification: Likely benign. Last evaluated: 2018-05-23. Review status: criteria provided, single submitter. Criteria: GeneDx Variant Classification (06012015). Collection method: clinical testing. Allele origin: germline. Affected: yes.
Comment: This variant is considered likely benign or benign based on one or more of the following criteria: it is a conservative change, it occurs at a poorly conserved position in the protein, it is predicted to be benign by multiple in silico algorithms, and/or has population frequency not consistent with disease.

NM_017617.5(NOTCH1):c.6223G>A (p.Glu2075Lys)

Gene: NOTCH1 (notch receptor 1; minus strand). Cytogenetic location: 9q34.3.
Variant type: single nucleotide variant.
Coding change: c.6223G>A on transcript NM_017617.5 (MANE Select); coding-DNA position 6223, G replaced by A.
Protein change: p.Glu2075Lys; replaces glutamic acid 2075 with lysine.
Molecular consequence: missense variant.
Genome position (GRCh38, 1-based): chr9:136,497,516, C>T on the plus strand (G>A on the coding strand, the complement: NOTCH1 is on the minus strand). VCF-style: chr9-136497516-C-T. GRCh37 (hg19) VCF-style: chr9-139391968-C-T.
Other names: short protein forms E2075K.
Identifiers: ClinVar variation 668585 (VCV000668585.13), dbSNP rs549258808, ClinGen allele CA5339964.